The following is an entry in ClinVar:

ClinVar aggregate classification (germline): Uncertain significance. Review status: criteria provided, multiple submitters, no conflicts (2 of 4 stars). 2 submissions from 2 submitters: Uncertain significance (2). Last evaluated 2024-07-01.

Conditions:
Inborn genetic diseases. Identifiers: MedGen C0950123, MeSH D030342.
Neuropathy, hereditary sensory and autonomic, type 2A (HSAN2A). Also called: HSAN IIA; WNK1-Related HSAN2 (HSAN2A); ACROOSTEOLYSIS, GIACCAI TYPE; ACROOSTEOLYSIS, NEUROGENIC; MORVAN DISEASE; NEUROPATHY, CONGENITAL SENSORY. Identifiers: Orphanet 970, MedGen C2752089, MONDO:0024309, OMIM 201300.
Generalized epilepsy with febrile seizures plus, type 7 (GEFSP7). Also called: GEFS+, TYPE 7. Identifiers: Orphanet 36387, MedGen C2751778, MONDO:0013470, OMIM 613863.

Allele frequency attached by ClinVar (database versions not stated): gnomAD exomes below 0.00001; TOPMed below 0.00001.
gnomAD v4.1: 2 of 1,613,414 alleles (0.00012%); highest among the groups gnomAD compares: Non-Finnish European, 0.00017%; no homozygotes.

Submissions (2):

Labcorp Genetics (formerly Invitae), Labcorp
Classification: Uncertain significance for Neuropathy, hereditary sensory and autonomic, type 2A; Generalized epilepsy with febrile seizures plus, type 7. Last evaluated: 2024-07-01. Review status: criteria provided, single submitter. Criteria: Invitae Variant Classification Sherloc (09022015). Collection method: clinical testing. Allele origin: germline.
Comment: This sequence change replaces leucine, which is neutral and non-polar, with proline, which is neutral and non-polar, at codon 669 of the SCN9A protein (p.Leu669Pro). This variant is not present in population databases (gnomAD no frequency). This variant has not been reported in the literature in individuals affected with SCN9A-related conditions. ClinVar contains an entry for this variant (Variation ID: 2556991). Advanced modeling of protein sequence and biophysical properties (such as structural, functional, and spatial information, amino acid conservation, physicochemical variation, residue mobility, and thermodynamic stability) performed at Invitae indicates that this missense variant is not expected to disrupt SCN9A protein function with a negative predictive value of 95%. In summary, the available evidence is currently insufficient to determine the role of this variant in disease. Therefore, it has been classified as a Variant of Uncertain Significance.

Ambry Genetics
Classification: Uncertain significance for Inborn genetic diseases. Last evaluated: 2023-06-06. Review status: criteria provided, single submitter. Criteria: Ambry Variant Classification Scheme 2023. Collection method: clinical testing. Allele origin: germline.

NM_001365536.1(SCN9A):c.2039T>C (p.Leu680Pro)

Genes: SCN9A (sodium voltage-gated channel alpha subunit 9; minus strand), SCN1A-AS1 (SCN1A and SCN9A antisense RNA 1; plus strand). Cytogenetic location: 2q24.3.
Variant type: single nucleotide variant.
Coding change: c.2039T>C on transcript NM_001365536.1 (MANE Select); coding-DNA position 2039, T replaced by C.
Protein change: p.Leu680Pro; replaces leucine 680 with proline.
Molecular consequence: missense variant.
Genome position (GRCh38, 1-based): chr2:166,281,744, A>G on the plus strand (T>C on the coding strand, the complement: SCN9A is on the minus strand). VCF-style: chr2-166281744-A-G. GRCh37 (hg19) VCF-style: chr2-167138254-A-G.
Other names: c.2006T>C, p.Leu669Pro (NM_002977.4); short protein forms L680P, L669P.
Identifiers: ClinVar variation 2556991 (VCV002556991.4), dbSNP rs1697498603, ClinGen allele CA349081124.